The following is an entry in ClinVar:

ClinVar aggregate classification (germline): Pathogenic (1 of 4 stars; one submission).

Submission:

Labcorp Genetics (formerly Invitae), Labcorp
Classification: Pathogenic. Last evaluated: 2019-06-04. Review status: criteria provided, single submitter. Criteria: Invitae Variant Classification Sherloc (09022015). Collection method: clinical testing. Allele origin: germline.
Comment: For these reasons, this variant has been classified as Pathogenic. Loss-of-function variants in SHANK2 are known to be pathogenic (PMID: 20473310). This variant has not been reported in the literature in individuals with SHANK2-related conditions. This variant is not present in population databases (ExAC no frequency). This sequence change creates a premature translational stop signal (p.Ser194Profs*31) in the SHANK2 gene. It is expected to result in an absent or disrupted protein product.

Literature cited by the submitters: PubMed 20473310.

NM_012309.5(SHANK2):c.2343del (p.Ser782fs)

Gene: SHANK2 (SH3 and multiple ankyrin repeat domains 2; minus strand). Cytogenetic location: 11q13.3.
Variant type: Deletion.
Coding change: c.2343del on transcript NM_012309.5 (MANE Select); coding-DNA position 2343, one base deleted (C; older notation c.2343delC).
Protein change: p.Ser782fs; shifts the reading frame from serine 782.
Molecular consequence: frameshift variant. On other transcripts: non-coding transcript variant (1).
Genome position (GRCh38, 1-based): chr11:70,492,431, G deleted on the plus strand (C on the coding strand, the reverse complement: SHANK2 is on the minus strand); the first of 3 consecutive G bases (chr11:70,492,431-70,492,433); deleting any one gives the same sequence. VCF-style (leftmost placement, unchanged base first): chr11-70492430-AG-A. GRCh37 (hg19) VCF-style: chr11-70338535-AG-A.
Other names: c.1206del, p.Ser403fs (NM_001379226.1); c.579del, p.Ser194fs (NM_133266.5); short protein forms S194fs, S403fs, S782fs.
Identifiers: ClinVar variation 940365 (VCV000940365.7), dbSNP rs2058902255, ClinGen allele CA1139662074.